The following is an entry in ClinVar:

ClinVar aggregate classification (germline): Uncertain significance (1 of 4 stars; one submission).

Conditions:
Inborn genetic diseases. Identifiers: MedGen C0950123, MeSH D030342.

Submission:

Ambry Genetics
Classification: Uncertain significance for Inborn genetic diseases. Last evaluated: 2026-04-20. Review status: criteria provided, single submitter. Criteria: Ambry Variant Classification Scheme 2023. Collection method: clinical testing. Allele origin: germline.
Comment: The p.P60S variant (also known as c.178C>T), located in coding exon 2 of the USB1 gene, results from a C to T substitution at nucleotide position 178. The proline at codon 60 is replaced by serine, an amino acid with similar properties. This amino acid position is conserved. In addition, this alteration is predicted to be tolerated by in silico analysis. Based on the available evidence, the clinical significance of this variant remains unclear.

NM_024598.4(USB1):c.178C>T (p.Pro60Ser)

Gene: USB1 (U6 snRNA biogenesis phosphodiesterase 1; plus strand). Cytogenetic location: 16q21.
Variant type: single nucleotide variant.
Coding change: c.178C>T on transcript NM_024598.4 (MANE Select); coding-DNA position 178, C replaced by T.
Protein change: p.Pro60Ser; replaces proline 60 with serine.
Molecular consequence: missense variant.
Genome position (GRCh38, 1-based): chr16:58,002,558, C>T. VCF-style: chr16-58002558-C-T. GRCh37 (hg19) VCF-style: chr16-58036462-C-T.
Other names: c.178C>T, p.Pro60Ser (NM_001195302.2, NM_001204911.2, NM_001330569.2); c.25C>T, p.Pro9Ser (NM_001330568.2); short protein forms P60S, P9S.
Identifiers: ClinVar variation 4866355 (VCV004866355.1).